The following is an entry in ClinVar:

NM_024408.4(NOTCH2):c.5666G>A (p.Arg1889Gln)

Gene: NOTCH2 (notch receptor 2; minus strand). Cytogenetic location: 1p12.
Variant type: single nucleotide variant.
Coding change: c.5666G>A on transcript NM_024408.4 (MANE Select); coding-DNA position 5666, G replaced by A.
Protein change: p.Arg1889Gln; replaces arginine 1889 with glutamine.
Molecular consequence: missense variant.
Genome position (GRCh38, 1-based): chr1:119,919,427, C>T on the plus strand (G>A on the coding strand, the complement: NOTCH2 is on the minus strand). VCF-style: chr1-119919427-C-T. GRCh37 (hg19) VCF-style: chr1-120462050-C-T.
Other names: short protein forms R1889Q.
Identifiers: ClinVar variation 5008408 (VCV005008408.1).

ClinVar aggregate classification (germline): Uncertain significance (1 of 4 stars; one submission).

gnomAD v4.1: 3 of 1,613,784 alleles (0.00019%); highest among the groups gnomAD compares: South Asian, 0.0011%; no homozygotes.

Submission:

GeneDx
Classification: Uncertain significance. Last evaluated: 2026-03-02. Review status: criteria provided, single submitter. Criteria: GeneDx Variant Classification Process June 2021. Collection method: clinical testing. Allele origin: germline.
Comment: Not observed at significant frequency in large population cohorts (gnomAD); In silico analysis supports that this missense variant has a deleterious effect on protein structure/function; Has not been previously published as pathogenic or benign to our knowledge